The following is an entry in ClinVar:

ClinVar aggregate classification (germline): Pathogenic (1 of 4 stars; one submission).

Conditions:
TWIST1-related craniosynostosis (CRS1). Also called: CRANIOSYNOSTOSIS 1. Identifiers: Orphanet 63440, MedGen C4551902, MONDO:0007399, OMIM 123100. Inheritance: Heterogenous inheritance pattern.

Submission:

Labcorp Genetics (formerly Invitae), Labcorp
Classification: Pathogenic for TWIST1-related craniosynostosis. Last evaluated: 2019-04-18. Review status: criteria provided, single submitter. Criteria: Invitae Variant Classification Sherloc (09022015). Collection method: clinical testing. Allele origin: germline.
Comment: This variant is a partial deletion of exon 1 of the ERF gene, which includes the initiator codon. The 5' end of this event is located 44 nucleotides upstream of the initiator codon and the 3' boundary is confined to intron 1 of the ERF gene (c.-44_22+11del). This is expected to result in an absent or disrupted protein product. While this variant is not present in population databases, the frequency information is unreliable, as metrics indicate poor data quality at this position in the ExAC database. However, it has also been observed in one or more individuals who were not affected with craniosynostosis (Invitae). Algorithms developed to predict the effect of sequence changes on RNA splicing suggest that this variant may disrupt the consensus splice site, but this prediction has not been confirmed by published transcriptional studies. For these reasons, this variant has been classified as Pathogenic.

NM_006494.4(ERF):c.-44_22+11del

Gene: ERF (ETS2 repressor factor; minus strand). Cytogenetic location: 19q13.2.
Variant type: Deletion.
Coding change: c.-44_22+11del on transcript NM_006494.4 (MANE Select); 44 bases upstream of the start codon through 11 bases into the intron after coding-DNA position 22, 77 bases deleted.
Molecular consequence: splice donor variant, initiator codon variant. On other transcripts: intron variant (1).
Genome position (GRCh38, 1-based): chr19:42,254,967-42,255,043, 77 bases deleted. GRCh37 (hg19): chr19:42,759,123-42,759,199.
Other names: c.-204+61_-204+137del (NM_001312656.2).
Identifiers: ClinVar variation 583126 (VCV000583126.8), dbSNP rs1568475667, ClinGen allele CA891843809.